The following is an entry in ClinVar:

NM_020693.4(DSCAML1):c.4786G>A (p.Gly1596Ser)

Gene: DSCAML1 (DS cell adhesion molecule like 1; minus strand). Cytogenetic location: 11q23.3.
Variant type: single nucleotide variant.
Coding change: c.4786G>A on transcript NM_020693.4 (MANE Select); coding-DNA position 4786, G replaced by A.
Protein change: p.Gly1596Ser; replaces glycine 1596 with serine.
Molecular consequence: missense variant.
Genome position (GRCh38, 1-based): chr11:117,435,734, C>T on the plus strand (G>A on the coding strand, the complement: DSCAML1 is on the minus strand). VCF-style: chr11-117435734-C-T. GRCh37 (hg19) VCF-style: chr11-117306450-C-T.
Other names: c.4966G>A (NM_020693.2); short protein forms G1596S.
Identifiers: ClinVar variation 2186046 (VCV002186046.6), dbSNP rs369351635, ClinGen allele CA6296266.

ClinVar aggregate classification (germline): Uncertain significance. Review status: criteria provided, multiple submitters, no conflicts (2 of 4 stars). 2 submissions from 2 submitters: Uncertain significance (2). Last evaluated 2023-12-04.

Allele frequency attached by ClinVar (database versions not stated): gnomAD exomes 0.00003; ExAC 0.00005; ESP Exome Variant Server 0.00008; gnomAD 0.00008; TOPMed 0.00011; 1000 Genomes Project 30x 0.00016; 1000 Genomes Project 0.00020.
gnomAD v4.1: 57 of 1,613,328 alleles (0.0035%); highest among the groups gnomAD compares: African/African-American, 0.013%; no homozygotes.

Submissions (2):

Labcorp Genetics (formerly Invitae), Labcorp
Classification: Uncertain significance. Last evaluated: 2023-12-04. Review status: criteria provided, single submitter. Criteria: Invitae Variant Classification Sherloc (09022015). Collection method: clinical testing. Allele origin: germline.
Comment: This sequence change replaces glycine, which is neutral and non-polar, with serine, which is neutral and polar, at codon 1656 of the DSCAML1 protein (p.Gly1656Ser). This variant is present in population databases (rs369351635, gnomAD 0.04%). This variant has not been reported in the literature in individuals affected with DSCAML1-related conditions. ClinVar contains an entry for this variant (Variation ID: 2186046). An algorithm developed to predict the effect of missense changes on protein structure and function (PolyPhen-2) suggests that this variant is likely to be tolerated. In summary, the available evidence is currently insufficient to determine the role of this variant in disease. Therefore, it has been classified as a Variant of Uncertain Significance.

Ambry Genetics
Classification: Uncertain significance. Last evaluated: 2023-05-30. Review status: criteria provided, single submitter. Criteria: Ambry Variant Classification Scheme 2023. Collection method: clinical testing. Allele origin: germline.